The following is an entry in ClinVar:

NM_006393.3(NEBL):c.2813A>G (p.Tyr938Cys)

Gene: NEBL (nebulette; minus strand). Cytogenetic location: 10p12.31.
Variant type: single nucleotide variant.
Coding change: c.2813A>G on transcript NM_006393.3 (MANE Select); coding-DNA position 2813, A replaced by G.
Protein change: p.Tyr938Cys; replaces tyrosine 938 with cysteine.
Molecular consequence: missense variant.
Genome position (GRCh38, 1-based): chr10:20,787,257, T>C on the plus strand (A>G on the coding strand, the complement: NEBL is on the minus strand). VCF-style: chr10-20787257-T-C. GRCh37 (hg19) VCF-style: chr10-21076186-T-C.
Other names: c.2813A>G (NM_006393.2); c.581A>G, p.Tyr194Cys (NM_001173484.2, NM_213569.2); c.674A>G, p.Tyr225Cys (NM_001377322.1); c.533A>G, p.Tyr178Cys (NM_001377323.1); c.524A>G, p.Tyr175Cys (NM_001377324.1); c.515A>G, p.Tyr172Cys (NM_001377325.1); c.473A>G, p.Tyr158Cys (NM_001377326.1, NM_001377327.1, NM_001377328.1); short protein forms Y172C, Y175C, Y178C, Y225C, Y938C, Y158C, Y194C.
Identifiers: ClinVar variation 1489136 (VCV001489136.9), dbSNP rs1024719266, ClinGen allele CA203252687.

ClinVar aggregate classification (germline): Uncertain significance. Review status: criteria provided, multiple submitters, no conflicts (2 of 4 stars). 2 submissions from 2 submitters: Uncertain significance (2). Last evaluated 2022-05-10.

Conditions:
Primary dilated cardiomyopathy (DCM). Also called: Dilated Cardiomyopathy. Identifiers: Orphanet 217604, MedGen C0007193, MeSH D002311, MONDO:0005021, HP:0001644. Inheritance: Various modes of inheritance.

Submissions (2):

Ambry Genetics
Classification: Uncertain significance. Last evaluated: 2022-05-10. Review status: criteria provided, single submitter. Criteria: Ambry Variant Classification Scheme 2023. Collection method: clinical testing. Allele origin: germline.

Labcorp Genetics (formerly Invitae), Labcorp
Classification: Uncertain significance for Primary dilated cardiomyopathy. Last evaluated: 2021-05-06. Review status: criteria provided, single submitter. Criteria: Invitae Variant Classification Sherloc (09022015). Collection method: clinical testing. Allele origin: germline.
Comment: In summary, the available evidence is currently insufficient to determine the role of this variant in disease. Therefore, it has been classified as a Variant of Uncertain Significance. Algorithms developed to predict the effect of missense changes on protein structure and function are either unavailable or do not agree on the potential impact of this missense change (SIFT: "Deleterious"; PolyPhen-2: "Benign"; Align-GVGD: "Class C15"). This variant has not been reported in the literature in individuals with NEBL-related conditions. This variant is not present in population databases (ExAC no frequency). This sequence change replaces tyrosine with cysteine at codon 938 of the NEBL protein (p.Tyr938Cys). The tyrosine residue is highly conserved and there is a large physicochemical difference between tyrosine and cysteine.